The following is an entry in ClinVar:

NM_001042492.3(NF1):c.2246C>G (p.Ser749Ter)

Gene: NF1 (neurofibromin 1; plus strand). Cytogenetic location: 17q11.2.
Variant type: single nucleotide variant.
Coding change: c.2246C>G on transcript NM_001042492.3 (MANE Select); coding-DNA position 2246, C replaced by G.
Protein change: p.Ser749Ter; replaces serine 749 with a stop codon.
Molecular consequence: nonsense.
Genome position (GRCh38, 1-based): chr17:31,226,679, C>G. VCF-style: chr17-31226679-C-G. GRCh37 (hg19) VCF-style: chr17-29553697-C-G.
Other names: c.2246C>G, p.Ser749Ter (NM_000267.4); short protein forms S749*.
Identifiers: ClinVar variation 1354203 (VCV001354203.7), dbSNP rs778344080, ClinGen allele CA8485923.

ClinVar aggregate classification (germline): Pathogenic. Review status: criteria provided, multiple submitters, no conflicts (2 of 4 stars). 2 submissions from 2 submitters: Pathogenic (2). Last evaluated 2022-09-01.

Conditions:
Neurofibromatosis, type 1 (NF1). Also called: NEUROFIBROMATOSIS, TYPE I, SOMATIC; VON RECKLINGHAUSEN DISEASE; Neurofibromatosis, type I; Peripheral type neurofibromatosis. Identifiers: Orphanet 636, MedGen C0027831, MONDO:0018975, OMIM 162200. Disease mechanism: loss of function.

Allele frequency attached by ClinVar (database versions not stated): ExAC 0.00001.

Submissions (2):

3billion
Classification: Pathogenic for Neurofibromatosis, type 1. Last evaluated: 2022-09-01. Review status: criteria provided, single submitter. Criteria: ACMG Guidelines, 2015. Collection method: clinical testing. Allele origin: germline. Affected: yes. Observed: 1 heterozygote.
Comment: The variant is not observed in the gnomAD v2.1.1 dataset. Stop-gained (nonsense) is predicted to result in a loss or disruption of normal protein function through nonsense-mediated decay (NMD) or protein truncation. Multiple pathogenic variants are reported downstream of the variant. The variant has been reported to be associated with NF1-related disorder (ClinVar ID: VCV001354203 / PMID: 16944272). Therefore, this variant is classified as Pathogenic according to the recommendation of ACMG/AMP guideline.

Labcorp Genetics (formerly Invitae), Labcorp
Classification: Pathogenic for Neurofibromatosis, type 1. Last evaluated: 2022-04-04. Review status: criteria provided, single submitter. Criteria: Invitae Variant Classification Sherloc (09022015). Collection method: clinical testing. Allele origin: germline.
Comment: This sequence change creates a premature translational stop signal (p.Ser749*) in the NF1 gene. It is expected to result in an absent or disrupted protein product. Loss-of-function variants in NF1 are known to be pathogenic (PMID: 10712197, 23913538). This variant is not present in population databases (gnomAD no frequency). This premature translational stop signal has been observed in individual(s) with clinical features of neurofibromatosis type 1 (PMID: 16944272). For these reasons, this variant has been classified as Pathogenic.

Literature cited by the submitters: PubMed 16944272 (cited by 3billion and Labcorp Genetics (formerly Invitae), Labcorp); PubMed 10712197 (cited by Labcorp Genetics (formerly Invitae), Labcorp); PubMed 23913538 (cited by Labcorp Genetics (formerly Invitae), Labcorp).